The following is an entry in ClinVar:

ClinVar aggregate classification (germline): Uncertain significance. Review status: criteria provided, multiple submitters, no conflicts (2 of 4 stars). 2 submissions from 2 submitters: Uncertain significance (2). Last evaluated 2025-09-01.

Conditions:
Ehlers-Danlos syndrome, dermatosparaxis type. Also called: Dermatosparaxis; EDS VIIC; Ehlers-Danlos syndrome, type VII, autosomal recessive. Identifiers: Orphanet 1901, MedGen C2700425, MONDO:0009161, OMIM 225410.

Allele frequency attached by ClinVar (database versions not stated): TOPMed 0.00001; gnomAD 0.00002; gnomAD exomes 0.00003; ExAC 0.00004.
gnomAD v4.1: 50 of 1,613,484 alleles (0.0031%); highest among the groups gnomAD compares: Middle Eastern, 0.049%; 1 homozygote.

Submissions (2):

CeGaT Center for Human Genetics Tuebingen
Classification: Uncertain significance. Last evaluated: 2025-09-01. Review status: criteria provided, single submitter. Criteria: CeGaT Center For Human Genetics Tuebingen Variant Classification Criteria Version 2. Collection method: clinical testing. Allele origin: germline. Affected: yes. Observed: 1 variant allele.
Comment: ADAMTS2: PM2, BP4

Labcorp Genetics (formerly Invitae), Labcorp
Classification: Uncertain significance for Ehlers-Danlos syndrome, dermatosparaxis type. Last evaluated: 2022-09-07. Review status: criteria provided, single submitter. Criteria: Invitae Variant Classification Sherloc (09022015). Collection method: clinical testing. Allele origin: germline.
Comment: This sequence change replaces arginine, which is basic and polar, with glutamine, which is neutral and polar, at codon 183 of the ADAMTS2 protein (p.Arg183Gln). This variant is present in population databases (rs763905470, gnomAD 0.01%). This variant has not been reported in the literature in individuals affected with ADAMTS2-related conditions. Algorithms developed to predict the effect of missense changes on protein structure and function are either unavailable or do not agree on the potential impact of this missense change (SIFT: "Deleterious"; PolyPhen-2: "Probably Damaging"; Align-GVGD: "Class C0"). Algorithms developed to predict the effect of sequence changes on RNA splicing suggest that this variant may create or strengthen a splice site. In summary, the available evidence is currently insufficient to determine the role of this variant in disease. Therefore, it has been classified as a Variant of Uncertain Significance.

NM_014244.5(ADAMTS2):c.548G>A (p.Arg183Gln)

Gene: ADAMTS2 (ADAM metallopeptidase with thrombospondin type 1 motif 2; minus strand). Cytogenetic location: 5q35.3.
Variant type: single nucleotide variant.
Coding change: c.548G>A on transcript NM_014244.5 (MANE Select); coding-DNA position 548, G replaced by A.
Protein change: p.Arg183Gln; replaces arginine 183 with glutamine.
Molecular consequence: missense variant.
Genome position (GRCh38, 1-based): chr5:179,273,051, C>T on the plus strand (G>A on the coding strand, the complement: ADAMTS2 is on the minus strand). VCF-style: chr5-179273051-C-T. GRCh37 (hg19) VCF-style: chr5-178700052-C-T.
Other names: c.548G>A, p.Arg183Gln (NM_021599.4); short protein forms R183Q.
Identifiers: ClinVar variation 2036964 (VCV002036964.8), dbSNP rs763905470, ClinGen allele CA3596272.
Genomic context (GRCh38, chr5:179,273,051, plus strand): 5'-GCCTCCTGCGCCGCCAGCCCCTTCTCCAAGGGTTCGATGAAGAACTCCTCCTCCTCCATC[C>T]GGATCAGACCAGCCTGCGGGACAAAGACAACAGGATCAGATTTCCAGCACACAAAAGACC-3'
Protein context (NP_055059.2, residues 173-193): SNCDGLAGLI[Arg183Gln]MEEEEFFIEP